The following is an entry in ClinVar:

NM_005336.6(HDLBP):c.2493C>T (p.Gly831=)

Genes: ANO7 (anoctamin 7; plus strand), HDLBP (high density lipoprotein binding protein; minus strand). Cytogenetic location: 2q37.3.
Variant type: single nucleotide variant.
Coding change: c.2493C>T on transcript NM_005336.6 (MANE Select); coding-DNA position 2493, C replaced by T.
Protein change: p.Gly831=; no amino-acid change (glycine 831 retained).
Molecular consequence: synonymous variant.
Genome position (GRCh38, 1-based): chr2:241,239,719, G>A on the plus strand (C>T on the coding strand, the complement: HDLBP is on the minus strand). VCF-style: chr2-241239719-G-A. GRCh37 (hg19) VCF-style: chr2-242179134-G-A.
Other names: c.2394C>T, p.Gly798= (NM_001243900.3); c.2493C>T, p.Gly831= (NM_001320965.3, NM_001320966.3, NM_001320967.3 and 1 more transcripts).
Identifiers: ClinVar variation 3059787 (VCV003059787.2), dbSNP rs10153800, ClinGen allele CA2216340.

ClinVar aggregate classification (germline): Benign (0 of 4 stars; one submission).

Conditions:
HDLBP-related disorder. Also called: HDLBP-related condition.

Allele frequency attached by ClinVar (database versions not stated): 1000 Genomes Project 0.13598; 1000 Genomes Project 30x 0.13898; ExAC 0.18392; gnomAD 0.20270; TOPMed 0.20617; gnomAD exomes 0.21417; ESP Exome Variant Server 0.22036.
gnomAD v4.1: 344,010 of 1,613,844 alleles (21%); highest among the groups gnomAD compares: Middle Eastern, 28%; 39,906 homozygotes.

Submission:

PreventionGenetics, part of Exact Sciences
Classification: Benign for HDLBP-related condition. Last evaluated: 2019-10-18. Review status: no assertion criteria provided. Collection method: clinical testing. Allele origin: germline.
Comment: This variant is classified as benign based on ACMG/AMP sequence variant interpretation guidelines (Richards et al. 2015 PMID: 25741868, with internal and published modifications).